The following is an entry in ClinVar:

NM_003001.5(SDHC):c.63G>C (p.Gln21His)

Gene: SDHC (succinate dehydrogenase complex subunit C; plus strand). Cytogenetic location: 1q23.3.
Variant type: single nucleotide variant.
Coding change: c.63G>C on transcript NM_003001.5 (MANE Select); coding-DNA position 63, G replaced by C.
Protein change: p.Gln21His; replaces glutamine 21 with histidine.
Molecular consequence: missense variant. On other transcripts: 5 prime UTR variant (2), non-coding transcript variant (1), intron variant (4).
Genome position (GRCh38, 1-based): chr1:161,323,656, G>C. VCF-style: chr1-161323656-G-C. GRCh37 (hg19) VCF-style: chr1-161293446-G-C.
Other names: c.63G>C, p.Gln21His (NM_001035511.3, NM_001035512.3, NM_001278172.3 and 2 more transcripts); c.-49G>C (NM_001407119.1); c.-167G>C (NM_001407120.1); c.21-4740G>C (NM_001407116.1, NM_001407121.1, NM_001407117.1); c.20+9231G>C (NM_001035513.3); short protein forms Q21H.
Identifiers: ClinVar variation 3223036 (VCV003223036.3), dbSNP rs1670927628, ClinGen allele CA343359564.

ClinVar aggregate classification (germline): Uncertain significance. Review status: criteria provided, multiple submitters, no conflicts (2 of 4 stars). 2 submissions from 2 submitters: Uncertain significance (2). Last evaluated 2025-05-21.

Conditions:
Hereditary cancer-predisposing syndrome. Also called: Neoplastic Syndromes, Hereditary; Tumor predisposition; Hereditary Cancer Syndrome; Hereditary neoplastic syndrome. Identifiers: Orphanet 140162, MedGen C0027672, MeSH D009386, MONDO:0015356.
Pheochromocytoma/paraganglioma syndrome 3. Also called: GLOMUS TUMORS, FAMILIAL, 3; Paragangliomas 3; SDHC-Related Hereditary Paraganglioma-Pheochromocytoma Syndrome (Paragangliomas 3); SDHC-Related Hereditary Paraganglioma-Pheochromocytoma Syndrome. Identifiers: Orphanet 29072, MedGen C1854336, MONDO:0011544, OMIM 605373.
Gastrointestinal stromal tumor. Also called: Gastrointestinal stromal tumor, somatic; Gastrointestinal stroma tumor. Identifiers: Orphanet 44890, MedGen C0238198, MeSH D046152, MONDO:0011719, OMIM 606764, HP:0100723.

Submissions (2):

Labcorp Genetics (formerly Invitae), Labcorp
Classification: Uncertain significance for Pheochromocytoma/paraganglioma syndrome 3; Gastrointestinal stromal tumor. Last evaluated: 2025-05-21. Review status: criteria provided, single submitter. Criteria: Invitae Variant Classification Sherloc (09022015). Collection method: clinical testing. Allele origin: germline.
Comment: This sequence change replaces glutamine, which is neutral and polar, with histidine, which is basic and polar, at codon 21 of the SDHC protein (p.Gln21His). This variant is not present in population databases (gnomAD no frequency). This variant has not been reported in the literature in individuals affected with SDHC-related conditions. ClinVar contains an entry for this variant (Variation ID: 3223036). Invitae Evidence Modeling of protein sequence and biophysical properties (such as structural, functional, and spatial information, amino acid conservation, physicochemical variation, residue mobility, and thermodynamic stability) indicates that this missense variant is expected to disrupt SDHC protein function with a positive predictive value of 95%. In summary, the available evidence is currently insufficient to determine the role of this variant in disease. Therefore, it has been classified as a Variant of Uncertain Significance.

Ambry Genetics
Classification: Uncertain significance for Hereditary cancer-predisposing syndrome. Last evaluated: 2023-12-11. Review status: criteria provided, single submitter. Criteria: Ambry Variant Classification Scheme 2023. Collection method: clinical testing. Allele origin: germline.
Comment: The p.Q21H variant (also known as c.63G>C), located in coding exon 2 of the SDHC gene, results from a G to C substitution at nucleotide position 63. The glutamine at codon 21 is replaced by histidine, an amino acid with highly similar properties. This amino acid position is conserved. In addition, the in silico prediction for this alteration is inconclusive. Since supporting evidence is limited at this time, the clinical significance of this alteration remains unclear.